The following is an entry in ClinVar:

ClinVar aggregate classification (germline): Likely benign. Review status: criteria provided, multiple submitters, no conflicts (2 of 4 stars). 3 submissions from 3 submitters: Likely benign (2). 1 of the submissions does not count toward it. Last evaluated 2023-09-26.

Conditions:
Bardet-Biedl syndrome (BBS). Identifiers: Orphanet 110, MedGen C0752166, MONDO:0015229.
TRIM32-related disorder. Also called: TRIM32-related condition.

Allele frequency attached by ClinVar (database versions not stated): gnomAD exomes 0.00001.
gnomAD v4.1: 6 of 1,614,188 alleles (0.00037%); highest among the groups gnomAD compares: Non-Finnish European, 0.00042%; no homozygotes.

Submissions (3):

Blueprint Genetics
Classification: Likely benign. Last evaluated: 2023-09-26. Review status: criteria provided, single submitter. Criteria: ACMG Guidelines, 2015. Collection method: clinical testing. Allele origin: germline.

Labcorp Genetics (formerly Invitae), Labcorp
Classification: Likely benign for Bardet-Biedl syndrome. Last evaluated: 2023-06-23. Review status: criteria provided, single submitter. Criteria: Invitae Variant Classification Sherloc (09022015). Collection method: clinical testing. Allele origin: germline.

PreventionGenetics, part of Exact Sciences
Classification: Likely benign for TRIM32-related condition. Last evaluated: 2024-08-29. Review status: no assertion criteria provided. Collection method: clinical testing. Allele origin: germline. Not counted in ClinVar's aggregate classification.
Comment: This variant is classified as likely benign based on ACMG/AMP sequence variant interpretation guidelines (Richards et al. 2015 PMID: 25741868, with internal and published modifications).

NM_012210.4(TRIM32):c.468G>T (p.Leu156=)

Genes: ASTN2 (astrotactin 2; minus strand), TRIM32 (tripartite motif containing 32; plus strand). Cytogenetic location: 9q33.1.
Variant type: single nucleotide variant.
Coding change: c.468G>T on transcript NM_012210.4 (MANE Select); coding-DNA position 468, G replaced by T.
Protein change: p.Leu156=; no amino-acid change (leucine 156 retained).
Molecular consequence: synonymous variant. On other transcripts: intron variant (3).
Genome position (GRCh38, 1-based): chr9:116,698,210, G>T. VCF-style: chr9-116698210-G-T. GRCh37 (hg19) VCF-style: chr9-119460489-G-T.
Other names: c.468G>T, p.Leu156= (NM_001099679.2, NM_001379048.1, NM_001379049.1 and 1 more transcripts); c.2653+27561C>A (NM_014010.5); c.2794+27561C>A (NM_001365069.1); c.2806+27561C>A (NM_001365068.1).
Identifiers: ClinVar variation 2894496 (VCV002894496.5), dbSNP rs1860978067, ClinGen allele CA466916015.
Genomic context (GRCh38, chr9:116,698,210, plus strand): 5'-CCCTGTCAAAGAAGCAGCTGAGGAGCGGCGTCGGGACTTTGGAGAGAAGTTAACTCGTCT[G>T]CGGGAACTTATGGGGGAGCTGCAGCGGCGGAAGGCAGCCTTGGAAGGTGTCTCCAAGGAC-3'
Protein context (NP_036342.2, residues 146-166): RRDFGEKLTR[Leu156=]RELMGELQRR